The following is an entry in ClinVar:

ClinVar aggregate classification (germline): Uncertain significance (1 of 4 stars; one submission).

Allele frequency attached by ClinVar (database versions not stated): TOPMed 0.00001.

Submission:

Labcorp Genetics (formerly Invitae), Labcorp
Classification: Uncertain significance. Last evaluated: 2021-03-02. Review status: criteria provided, single submitter. Criteria: Invitae Variant Classification Sherloc (09022015). Collection method: clinical testing. Allele origin: germline.
Comment: In summary, the available evidence is currently insufficient to determine the role of this variant in disease. Therefore, it has been classified as a Variant of Uncertain Significance. Algorithms developed to predict the effect of sequence changes on RNA splicing suggest that this variant may disrupt the consensus splice site, but this prediction has not been confirmed by published transcriptional studies. This variant has not been reported in the literature in individuals with MCM4-related conditions. This variant is not present in population databases (ExAC no frequency). This sequence change affects a donor splice site in intron 7 of the MCM4 gene. It is expected to disrupt RNA splicing. Variants that disrupt the donor or acceptor splice site typically lead to a loss of protein function (PMID: 16199547), however the current clinical and genetic evidence is not sufficient to establish whether loss-of-function variants in MCM4 cause disease.

Literature cited by the submitters: PubMed 16199547.

NM_182746.3(MCM4):c.832+1G>A

Gene: MCM4 (minichromosome maintenance complex component 4; plus strand). Cytogenetic location: 8q11.21.
Variant type: single nucleotide variant.
Coding change: c.832+1G>A on transcript NM_182746.3 (MANE Select); the canonical splice donor site of the intron after coding-DNA position 832, G replaced by A.
Molecular consequence: splice donor variant.
Genome position (GRCh38, 1-based): chr8:47,964,713, G>A. VCF-style: chr8-47964713-G-A. GRCh37 (hg19) VCF-style: chr8-48877273-G-A.
Other names: c.832+1G>A (NM_005914.4).
Identifiers: ClinVar variation 1441414 (VCV001441414.4), dbSNP rs892675428, ClinGen allele CA176155778.
Genomic context (GRCh38, chr8:47,964,713, plus strand): 5'-TTCAAGTAAGACCATTCAACGCATTGAAGACTAAGAATATGAGAAACCTGAATCCAGAAG[G>A]TAATGTATTTTTCATAGGATTACTTTTGTTGAAGGAAAATGCCTTACATGAAAATAGCCT-3'